The following is an entry in ClinVar:

NM_000138.5(FBN1):c.3546C>A (p.Cys1182Ter)

Gene: FBN1 (fibrillin 1; minus strand). Cytogenetic location: 15q21.1.
Variant type: single nucleotide variant.
Coding change: c.3546C>A on transcript NM_000138.5 (MANE Select); coding-DNA position 3546, C replaced by A.
Protein change: p.Cys1182Ter; replaces cysteine 1182 with a stop codon.
Molecular consequence: nonsense.
Genome position (GRCh38, 1-based): chr15:48,487,118, G>T on the plus strand (C>A on the coding strand, the complement: FBN1 is on the minus strand). VCF-style: chr15-48487118-G-T. GRCh37 (hg19) VCF-style: chr15-48779315-G-T.
Other names: short protein forms C1182*.
Identifiers: ClinVar variation 177940 (VCV000177940.4), dbSNP rs727504411, ClinGen allele CA014263.
Genomic context (GRCh38, chr15:48,487,118, plus strand): 5'-AATAAAAAAGAACTTACCAACACAAAATAGCCTATCGGGAGTTGAATGGTAGCCAGGGTT[G>T]CAGGCACACTGATACTTCCCTATGAGGTTCACGCAACGGCCATTGGGGCACAGGTGTGCA-3'

ClinVar aggregate classification (germline): Pathogenic (1 of 4 stars; one submission).

Conditions:
Marfan syndrome (MFS). Also called: Marfan syndrome, classic; FBN1-Related Marfan Syndrome; Marfan syndrome type 1; Marfan's syndrome; MARFAN SYNDROME, TYPE I. Identifiers: Orphanet 284963, Orphanet 558, MedGen C0024796, MONDO:0007947, OMIM 154700.

Submission:

Laboratory for Molecular Medicine, Mass General Brigham Personalized Medicine
Classification: Pathogenic for Marfan syndrome. Last evaluated: 2010-11-03. Review status: criteria provided, single submitter. Criteria: LMM Criteria. Collection method: clinical testing. Allele origin: germline. Observed: 1 variant allele.
Comment: The 3546C>A (Cys1182X) variant has not been previously reported in the literatur e or been previously identified by our laboratory. This variant leads to a prema ture stop codon. From this DNA sequencing test, we cannot determine the effect t his nucleotide change will have on the protein produced. It is possible that a t runcated protein is generated. Alternatively, no protein would be produced from this allele if nonsense-mediated decay occurs, as premature stop codons frequent ly result in degradation of the mRNA. In addition, other variants at this locat ion (Cys1182Arg and Cys1182Tyr) have been observed in individuals with clinical features of Marfan syndrome (HGMD Database). Therefore, this variant is highly l ikely to be pathogenic.